The following is an entry in ClinVar:

NM_001034853.2(RPGR):c.173_175delinsG (p.Met58fs)

Gene: RPGR (retinitis pigmentosa GTPase regulator; minus strand). Cytogenetic location: Xp11.4.
Variant type: Indel.
Coding change: c.173_175delinsG on transcript NM_001034853.2 (MANE Select); coding-DNA positions 173 to 175, TGT replaced by G.
Protein change: p.Met58fs; shifts the reading frame from methionine 58.
Molecular consequence: frameshift variant. On other transcripts: non-coding transcript variant (6).
Genome position (GRCh38, 1-based): chrX:38,322,925-38,322,927, ACA replaced by C on the plus strand (TGT replaced by G on the coding strand, the reverse complement: RPGR is on the minus strand). VCF-style: chrX-38322925-ACA-C. GRCh37 (hg19) VCF-style: chrX-38182178-ACA-C.
Other names: c.173_175delinsG, p.Met58fs (NM_000328.3, NM_001367245.1, NM_001367246.1 and 4 more transcripts); c.203_205delinsG, p.Met68fs (NM_001367248.1); short protein forms M58fs, M68fs.
Identifiers: ClinVar variation 4712586 (VCV004712586.1).

ClinVar aggregate classification (germline): Pathogenic (1 of 4 stars; one submission).

Conditions:
Primary ciliary dyskinesia. Also called: Ciliary dyskinesia. Identifiers: Orphanet 244, MedGen C0008780, MONDO:0016575, HP:0012265.

Submission:

Labcorp Genetics (formerly Invitae), Labcorp
Classification: Pathogenic for Primary ciliary dyskinesia. Last evaluated: 2025-02-13. Review status: criteria provided, single submitter. Criteria: Invitae Variant Classification Sherloc (09022015). Collection method: clinical testing. Allele origin: germline.
Comment: This sequence change creates a premature translational stop signal (p.Met58Serfs*4) in the RPGR gene. It is expected to result in an absent or disrupted protein product. Loss-of-function variants in RPGR are known to be pathogenic (PMID: 16055928, 16969763). Information on the frequency of this variant in the gnomAD database is not available, as this variant may be reported differently in the database. This premature translational stop signal has been observed in individual(s) with RPGR-related conditions (PMID: 23150612). This variant is also known as c.173delT; 177delT (p.Met58fs) . For these reasons, this variant has been classified as Pathogenic.

Literature cited by the submitters: PubMed 16055928; PubMed 16969763; PubMed 23150612.